The following is an entry in ClinVar:

NM_005033.3(EXOSC9):c.41T>C (p.Leu14Pro)

Gene: EXOSC9 (exosome component 9; plus strand). Cytogenetic location: 4q27.
Variant type: single nucleotide variant.
Coding change: c.41T>C on transcript NM_005033.3 (MANE Select); coding-DNA position 41, T replaced by C.
Protein change: p.Leu14Pro; replaces leucine 14 with proline.
Molecular consequence: missense variant.
Genome position (GRCh38, 1-based): chr4:121,801,465, T>C. VCF-style: chr4-121801465-T-C. GRCh37 (hg19) VCF-style: chr4-122722620-T-C.
Other names: EXOSC9, LEU14PRO (rs139632595); c.41T>C, p.Leu14Pro (NM_001034194.2); c.41T>C (NM_001034194.2); short protein forms L14P.
Identifiers: ClinVar variation 549845 (VCV000549845.38), dbSNP rs139632595, ClinGen allele CA3063247.

ClinVar aggregate classification (germline): Pathogenic/Likely pathogenic. Review status: criteria provided, multiple submitters, no conflicts (2 of 4 stars). 16 submissions from 15 submitters: Pathogenic (11); Likely pathogenic (2). 3 of the submissions do not count toward it. Last evaluated 2025-11-28.

Conditions:
EXOSC9-related disorder. Also called: EXOSC9-related condition.
Cerebral atrophy. Identifiers: MedGen C0235946, HP:0002059.
Pontocerebellar hypoplasia, type 1D. Identifiers: MedGen C4748058, MONDO:0054844, OMIM 618065.
Kabuki syndrome 2 (KABUK2). Also called: KDM6A-Related Kabuki Syndrome. Identifiers: Orphanet 2322, MedGen C3275495, MONDO:0010465, OMIM 300867.
Pontoneocerebellar hypoplasia. Also called: Pontocerebellar hypoplasia; Non-syndromic pontocerebellar hypoplasia. Identifiers: Orphanet 98523, MedGen C1261175, MONDO:0020135.

Allele frequency attached by ClinVar (database versions not stated): gnomAD exomes 0.00003 and 0.00006; ExAC 0.00005; ESP Exome Variant Server 0.00015; 1000 Genomes Project 30x 0.00016; 1000 Genomes Project 0.00020; TOPMed 0.00024; gnomAD 0.00025 and 0.00026.
gnomAD v4.1: 78 of 1,614,210 alleles (0.0048%); highest among the groups gnomAD compares: African/African-American, 0.096%; no homozygotes.

Submissions 1 to 10 of 16:

OLLIN Analises Genomicas, OLLIN
Classification: Pathogenic for Kabuki syndrome 2. Last evaluated: 2025-11-28. Review status: criteria provided, single submitter. Criteria: ACMG Guidelines 2015 PMID 25741868. Collection method: clinical testing. Allele origin: germline. Affected: yes. Observed: 1 variant allele.
Comment: The missense variant (chr4:121801465T>C), located in exon 1 (of 12), is reported in ClinVar (VCV000549845.35), in gnomAD v4.1 non-UKB with an allele frequency of 0.0069%, and in the scientific literature, also in compound heterozygosity, in individuals with pontocerebellar hypoplasia (PMID: 29727687, 30690203, 30125339, 35893425, 33040083). In silico analysis is inconclusive regarding the impact of this variant. According to currently available evidence, this variant has been classified as pathogenic (PS4, PM2_P, PM3_VS).

GeneDx
Classification: Pathogenic. Last evaluated: 2025-10-03. Review status: criteria provided, single submitter. Criteria: GeneDx Variant Classification Process June 2021. Collection method: clinical testing. Allele origin: germline. Affected: yes.
Comment: In silico analysis supports that this missense variant has a deleterious effect on protein structure/function; This variant is associated with the following publications: (PMID: 34645488, 29758258, 30690203, 31130284, 33040083, 32504085, 37644014, 36703223, 33258288, 34782754, 35893425, 29878067, 29727687, 30125339, CorreaML2024[Abstract], 40246537, 39982806)

Labcorp Genetics (formerly Invitae), Labcorp
Classification: Pathogenic. Last evaluated: 2025-09-16. Review status: criteria provided, single submitter. Criteria: Invitae Variant Classification Sherloc (09022015). Collection method: clinical testing. Allele origin: germline.
Comment: This sequence change replaces leucine, which is neutral and non-polar, with proline, which is neutral and non-polar, at codon 14 of the EXOSC9 protein (p.Leu14Pro). This variant is present in population databases (rs139632595, gnomAD 0.08%). This missense change has been observed in individual(s) with pontocerebellar hypoplasia (PMID: 29727687, 30690203). In at least one individual the data is consistent with being in trans (on the opposite chromosome) from a pathogenic variant. ClinVar contains an entry for this variant (Variation ID: 549845). Invitae Evidence Modeling of protein sequence and biophysical properties (such as structural, functional, and spatial information, amino acid conservation, physicochemical variation, residue mobility, and thermodynamic stability) indicates that this missense variant is expected to disrupt EXOSC9 protein function with a positive predictive value of 80%. For these reasons, this variant has been classified as Pathogenic.

3billion
Classification: Pathogenic for Pontocerebellar hypoplasia, type 1D. Last evaluated: 2025-07-10. Review status: criteria provided, single submitter. Criteria: ACMG Guidelines, 2015. Collection method: clinical testing. Allele origin: germline. Affected: yes.
Comment: The variant is observed at an extremely low frequency in the gnomAD v4.1.0 dataset (total allele frequency: 0.005%). Predicted Consequence/Location: Missense variant. The majority of the known disease-causing variants of this gene are variants expected to result in premature termination of the protein. In silico tool predictions suggest damaging effect of the variant on gene or gene product [REVEL: 0.61 (>=0.6, sensitivity 0.68 and specificity 0.92)]. The same nucleotide change resulting in the same amino acid change has been previously reported as pathogenic/likely pathogenic with strong evidence (ClinVar ID: VCV000549845 /PMID: 29727687 /3billion dataset). The variant has been observed in multiple (>3) similarly affected unrelated individuals (PMID: 29727687, 30125339). The variant has been reported to be in trans with a pathogenic variant as either compound heterozygous or homozygous in at least one similarly affected unrelated individual (PMID: 29727687). Therefore, this variant is classified as Pathogenic according to the recommendation of ACMG/AMP guideline.

PreventionGenetics, part of Exact Sciences
Classification: Pathogenic for EXOSC9-related condition. Last evaluated: 2025-06-18. Review status: criteria provided, single submitter. Criteria: ACMG Guidelines, 2015. Collection method: clinical testing. Allele origin: germline.
Comment: The EXOSC9 c.41T>C variant is predicted to result in the amino acid substitution p.Leu14Pro. This variant has been reported in the homozygous and compound heterozygous states as causative for autosomal recessive pontocerebellar hypoplasia type 1D (Supp. Table 3, Chemin et al. 2018. PubMed ID: 29878067; Burns et al. 2018. PubMed ID: 29727687; Al-Nabhani et al. 2018. PubMed ID: 30125339; OMIM #618065). Functional studies using cells cultured from fibroblasts and skeletal muscle from affected individuals demonstrate reduced protein expression (Burns et al. 2018. PubMed ID: 29727687). In addition, knock-down studies using zebrafish reproduce aspects of the clinical features observed in humans (Burns et al. 2018. PubMed ID: 29727687). This variant is reported in 0.084% of alleles in individuals of African descent in gnomAD. This variant is interpreted as pathogenic.

Dubai Health Genomic Medicine Center, Dubai Health
Classification: Pathogenic for Pontocerebellar hypoplasia. Last evaluated: 2024-10-04. Review status: criteria provided, single submitter. Criteria: ACMG Guidelines, 2015. Collection method: research. Allele origin: germline. Affected: yes.
Comment: PM3_Strong, PS3, PP4

Genomic Medicine Center of Excellence, King Faisal Specialist Hospital and Research Centre
Classification: Pathogenic for Pontocerebellar hypoplasia, type 1D. Last evaluated: 2024-03-14. Review status: criteria provided, single submitter. Criteria: ACMG Guidelines, 2015. Collection method: clinical testing. Allele origin: germline.

Revvity Omics, Revvity
Classification: Likely pathogenic for Pontocerebellar hypoplasia, type 1D. Last evaluated: 2021-12-29. Review status: criteria provided, single submitter. Criteria: ACMG Guidelines, 2015. Collection method: clinical testing. Allele origin: germline.

Institute of Human Genetics Munich, TUM University Hospital
Classification: Pathogenic for Pontocerebellar hypoplasia, type 1D. Last evaluated: 2020-11-13. Review status: criteria provided, single submitter. Criteria: Classification criteria August 2017. Collection method: clinical testing. Allele origin: inherited. Inheritance: Autosomal recessive inheritance. Affected: yes. Observed: 1 variant allele.

Broad Center for Mendelian Genomics, Broad Institute of MIT and Harvard
Classification: Likely pathogenic for Cerebral atrophy. Last evaluated: 2020-10-01. Review status: criteria provided, single submitter. Criteria: ACMG Guidelines, 2015. Collection method: research. Allele origin: paternal. Inheritance: Autosomal recessive inheritance. Affected: yes. Observed: 1 homozygote.
Comment: The p.Leu14Pro variant has also been reported in 5 additional individuals with pontocerebellar hypoplasia (PMID: 29727687, 30690203, 30125339), and has been identified in 0.084% (21/24970) of African chromosomes by the Genome Aggregation Database (gnomAD; dbSNP rs139632595). Although this variant has been seen in the general population, its frequency is not high enough to rule out a pathogenic role. This variant has been reported pathogenic by OMIM, Al Jalila Children's Genomics Center,Al Jalila Childrens Speciality Hospital, Sheikh Hamdan Award for Medical Sciences, and Mendelics in ClinVar (Variation ID: 549845). Of the 6 affected individuals, 5 of those were homozygotes and 1 was a compound heterozygote that carried a reported likely pathogenic variants in trans, which increases the likelihood that the p.Leu14Pro variant is pathogenic (PMID: 29727687, 30690203, 30125339). The phenotype of individuals homozygous for this variant is highly specific for pontocerebellar hypoplasia based on the unique phenotype consistent with disease (PMID: 29727687). In vitro functional studies provide some evidence that the p.Leu14Pro variant may impact protein function (PMID: 29727687). However, these types of assays may not accurately represent biological function. Computational prediction tools and conservation analyses do not provide strong support for or against an impact to the protein. In summary, although additional studies are required to fully establish its clinical significance, this variant is likely pathogenic for autosomal recessive pontocerebellar hypoplasia. ACMG/AMP Criteria applied: PM3_strong, PS3_moderate, PP4 (Richards 2015).